The following is an entry in ClinVar:

ClinVar aggregate classification (germline): Uncertain significance (1 of 4 stars; one submission).

Submission:

GeneDx
Classification: Uncertain significance. Last evaluated: 2025-04-14. Review status: criteria provided, single submitter. Criteria: GeneDx Variant Classification Process June 2021. Collection method: clinical testing. Allele origin: germline. Affected: yes.
Comment: Not observed at significant frequency in large population cohorts (gnomAD); In silico analysis supports that this missense variant has a deleterious effect on protein structure/function; Has not been previously published as pathogenic or benign to our knowledge

NM_020719.3(PRR12):c.3476C>T (p.Pro1159Leu)

Gene: PRR12 (proline rich 12; plus strand). Cytogenetic location: 19q13.33.
Variant type: single nucleotide variant.
Coding change: c.3476C>T on transcript NM_020719.3 (MANE Select); coding-DNA position 3476, C replaced by T.
Protein change: p.Pro1159Leu; replaces proline 1159 with leucine.
Molecular consequence: missense variant.
Genome position (GRCh38, 1-based): chr19:49,597,811, C>T. VCF-style: chr19-49597811-C-T. GRCh37 (hg19) VCF-style: chr19-50101068-C-T.
Other names: short protein forms P1159L.
Identifiers: ClinVar variation 4282014 (VCV004282014.1).
Genomic context (GRCh38, chr19:49,597,811, plus strand): 5'-ACATCGACTTCTGCCCACCCAACCCAGGACCCGATGGCCCCCGGCGCCGTGGCCGCAAGC[C>T]CACGAAGGCGAAACGTGATGGGCCACCCCGGCCACGGGGGAGGCCCCGGATCCGCCCCCT-3'
Protein context (NP_065770.1, residues 1149-1169): PDGPRRRGRK[Pro1159Leu]TKAKRDGPPR